The following is an entry in ClinVar:

NM_182961.4(SYNE1):c.3911G>A (p.Gly1304Glu)

Gene: SYNE1 (spectrin repeat containing nuclear envelope protein 1; minus strand). Cytogenetic location: 6q25.2.
Variant type: single nucleotide variant.
Coding change: c.3911G>A on transcript NM_182961.4 (MANE Select); coding-DNA position 3911, G replaced by A.
Protein change: p.Gly1304Glu; replaces glycine 1304 with glutamic acid.
Molecular consequence: missense variant.
Genome position (GRCh38, 1-based): chr6:152,442,172, C>T on the plus strand (G>A on the coding strand, the complement: SYNE1 is on the minus strand). VCF-style: chr6-152442172-C-T. GRCh37 (hg19) VCF-style: chr6-152763307-C-T.
Other names: c.3932G>A, p.Gly1311Glu (NM_033071.5); short protein forms G1304E, G1311E.
Identifiers: ClinVar variation 2436736 (VCV002436736.4), dbSNP rs141164314, ClinGen allele CA4058719.

ClinVar aggregate classification (germline): Uncertain significance. Review status: criteria provided, multiple submitters, no conflicts (2 of 4 stars). 2 submissions from 2 submitters: Uncertain significance (2). Last evaluated 2025-09-24.

Conditions:
SYNE1-related disorder. Also called: SYNE1-related disease; SYNE1-related condition; SYNE1-related disorders.

gnomAD v4.1: 13 of 1,613,822 alleles (0.00081%); highest among the groups gnomAD compares: South Asian, 0.0022%; no homozygotes.

Submissions (2):

PreventionGenetics, part of Exact Sciences
Classification: Uncertain significance for SYNE1-related condition. Last evaluated: 2025-09-24. Review status: criteria provided, single submitter. Criteria: ACMG Guidelines, 2015. Collection method: clinical testing. Allele origin: germline.
Comment: The SYNE1 c.3932G>A variant is predicted to result in the amino acid substitution p.Gly1311Glu. To our knowledge, this variant has not been reported in the literature. This variant is reported in 0.0062% of alleles in individuals of African descent in gnomAD. At this time, the clinical significance of this variant is uncertain due to the absence of conclusive functional and genetic evidence.

Revvity Omics, Revvity
Classification: Uncertain significance. Last evaluated: 2020-11-18. Review status: criteria provided, single submitter. Criteria: ACMG Guidelines, 2015. Collection method: clinical testing. Allele origin: germline.